The following is an entry in ClinVar:

ClinVar aggregate classification (germline): Uncertain significance (1 of 4 stars; one submission).

Conditions:
Hereditary sensory and autonomic neuropathy type 1 (HSAN1). Also called: HSAN 1; HSN Type I; Hereditary Sensory Neuropathy Type I. Identifiers: Orphanet 36386, MedGen C0020071, MONDO:0018213.

gnomAD v4.1: 3 of 1,613,920 alleles (0.00019%); highest among the groups gnomAD compares: Non-Finnish European, 0.000085%; no homozygotes.

Submission:

Labcorp Genetics (formerly Invitae), Labcorp
Classification: Uncertain significance for Hereditary sensory and autonomic neuropathy type 1. Last evaluated: 2025-01-20. Review status: criteria provided, single submitter. Criteria: Invitae Variant Classification Sherloc (09022015). Collection method: clinical testing. Allele origin: germline.
Comment: This sequence change replaces isoleucine, which is neutral and non-polar, with leucine, which is neutral and non-polar, at codon 314 of the SPTLC1 protein (p.Ile314Leu). This variant is present in population databases (no rsID available, gnomAD 0.004%). This variant has not been reported in the literature in individuals affected with SPTLC1-related conditions. ClinVar contains an entry for this variant (Variation ID: 2761325). Invitae Evidence Modeling of protein sequence and biophysical properties (such as structural, functional, and spatial information, amino acid conservation, physicochemical variation, residue mobility, and thermodynamic stability) indicates that this missense variant is not expected to disrupt SPTLC1 protein function with a negative predictive value of 80%. In summary, the available evidence is currently insufficient to determine the role of this variant in disease. Therefore, it has been classified as a Variant of Uncertain Significance.

NM_006415.4(SPTLC1):c.940A>C (p.Ile314Leu)

Gene: SPTLC1 (serine palmitoyltransferase long chain base subunit 1; minus strand). Cytogenetic location: 9q22.31.
Variant type: single nucleotide variant.
Coding change: c.940A>C on transcript NM_006415.4 (MANE Select); coding-DNA position 940, A replaced by C.
Protein change: p.Ile314Leu; replaces isoleucine 314 with leucine.
Molecular consequence: missense variant.
Genome position (GRCh38, 1-based): chr9:92,047,657, T>G on the plus strand (A>C on the coding strand, the complement: SPTLC1 is on the minus strand). VCF-style: chr9-92047657-T-G. GRCh37 (hg19) VCF-style: chr9-94809939-T-G.
Other names: c.940A>C, p.Ile314Leu (NM_001281303.2); c.574A>C, p.Ile192Leu (NM_001368272.1); c.475A>C, p.Ile159Leu (NM_001368273.1); short protein forms I159L, I192L, I314L.
Identifiers: ClinVar variation 2761325 (VCV002761325.3), dbSNP rs199609730, ClinGen allele CA373792722.